The following is an entry in ClinVar:

NM_025009.5(CEP135):c.2543_2551del (p.Lys848_Glu850del)

Gene: CEP135 (centrosomal protein 135; plus strand). Cytogenetic location: 4q12.
Variant type: Deletion.
Coding change: c.2543_2551del on transcript NM_025009.5 (MANE Select); coding-DNA positions 2543 to 2551, 9 bases deleted (AAGAAGAAA; older notation c.2543_2551delAAGAAGAAA).
Protein change: p.Lys848_Glu850del.
Molecular consequence: inframe deletion.
Genome position (GRCh38, 1-based): chr4:56,011,449-56,011,457, AAGAAGAAA deleted; deleting any 9 consecutive bases within chr4:56,011,443-56,011,457 gives the same sequence; the c. name uses the placement nearest the transcript's 3' end. VCF-style (leftmost placement, unchanged base first): chr4-56011442-CAAGAAAAAG-C. GRCh37 (hg19) VCF-style: chr4-56877608-CAAGAAAAAG-C.
Identifiers: ClinVar variation 4708953 (VCV004708953.1).

ClinVar aggregate classification (germline): Uncertain significance (1 of 4 stars; one submission).

Submission:

Labcorp Genetics (formerly Invitae), Labcorp
Classification: Uncertain significance. Last evaluated: 2025-05-04. Review status: criteria provided, single submitter. Criteria: Invitae Variant Classification Sherloc (09022015). Collection method: clinical testing. Allele origin: germline.
Comment: This variant, c.2543_2551del, results in the deletion of 3 amino acid(s) of the CEP135 protein (p.Lys848_Glu850del), but otherwise preserves the integrity of the reading frame. This variant is not present in population databases (gnomAD no frequency). This variant has not been reported in the literature in individuals affected with CEP135-related conditions. Experimental studies and prediction algorithms are not available or were not evaluated, and the functional significance of this variant is currently unknown. In summary, the available evidence is currently insufficient to determine the role of this variant in disease. Therefore, it has been classified as a Variant of Uncertain Significance.